The following is an entry in ClinVar:

NM_001401501.2(MUC16):c.37266G>A (p.Gly12422=)

Gene: MUC16 (mucin 16, cell surface associated; minus strand). Cytogenetic location: 19p13.2.
Variant type: single nucleotide variant.
Coding change: c.37266G>A on transcript NM_001401501.2 (MANE Select); coding-DNA position 37266, G replaced by A.
Protein change: p.Gly12422=; no amino-acid change (glycine 12422 retained).
Molecular consequence: synonymous variant.
Genome position (GRCh38, 1-based): chr19:8,913,516, C>T on the plus strand (G>A on the coding strand, the complement: MUC16 is on the minus strand). VCF-style: chr19-8913516-C-T. GRCh37 (hg19) VCF-style: chr19-9024192-C-T.
Other names: c.37692G>A, p.Gly12564= (NM_001414686.1); c.37146G>A, p.Gly12382= (NM_001414687.1); c.37080G>A, p.Gly12360= (NM_024690.2).
Identifiers: ClinVar variation 3046308 (VCV003046308.2), dbSNP rs2512822594, ClinGen allele CA505287417.

ClinVar aggregate classification (germline): Likely benign (0 of 4 stars; one submission).

Conditions:
MUC16-related disorder. Also called: MUC16-related condition.

Submission:

PreventionGenetics, part of Exact Sciences
Classification: Likely benign for MUC16-related condition. Last evaluated: 2019-02-20. Review status: no assertion criteria provided. Collection method: clinical testing. Allele origin: germline.
Comment: This variant is classified as likely benign based on ACMG/AMP sequence variant interpretation guidelines (Richards et al. 2015 PMID: 25741868, with internal and published modifications).